The following is an entry in ClinVar:

NM_014946.4(SPAST):c.237C>A (p.Cys79Ter)

Gene: SPAST (spastin; plus strand). Cytogenetic location: 2p22.3.
Variant type: single nucleotide variant.
Coding change: c.237C>A on transcript NM_014946.4 (MANE Select); coding-DNA position 237, C replaced by A.
Protein change: p.Cys79Ter; replaces cysteine 79 with a stop codon.
Molecular consequence: nonsense.
Genome position (GRCh38, 1-based): chr2:32,064,068, C>A. VCF-style: chr2-32064068-C-A. GRCh37 (hg19) VCF-style: chr2-32289137-C-A.
Other names: c.237C>A, p.Cys79Ter (NM_001363823.2, NM_001363875.2, NM_001377959.1 and 1 more transcripts); short protein forms C79*.
Identifiers: ClinVar variation 2027106 (VCV002027106.4), dbSNP rs2465681573, ClinGen allele CA346601847.

ClinVar aggregate classification (germline): Pathogenic (1 of 4 stars; one submission).

Conditions:
Hereditary spastic paraplegia 4. Also called: Spastic paraplegia 4, autosomal dominant; Spastic Paraplegia 4; Familial spastic paraplegia autosomal dominant 2. Identifiers: Orphanet 100985, MedGen C1866855, MONDO:0008438, OMIM 182601.

Submission:

Labcorp Genetics (formerly Invitae), Labcorp
Classification: Pathogenic for Hereditary spastic paraplegia 4. Last evaluated: 2023-03-15. Review status: criteria provided, single submitter. Criteria: Invitae Variant Classification Sherloc (09022015). Collection method: clinical testing. Allele origin: germline.
Comment: For these reasons, this variant has been classified as Pathogenic. ClinVar contains an entry for this variant (Variation ID: 2027106). This variant has not been reported in the literature in individuals affected with SPAST-related conditions. This variant is not present in population databases (gnomAD no frequency). This sequence change creates a premature translational stop signal (p.Cys79*) in the SPAST gene. It is expected to result in an absent or disrupted protein product. Loss-of-function variants in SPAST are known to be pathogenic (PMID: 20932283).

Literature cited by the submitters: PubMed 20932283.